The following is an entry in ClinVar:

NM_182914.3(SYNE2):c.18013C>A (p.His6005Asn)

Gene: SYNE2 (spectrin repeat containing nuclear envelope protein 2; plus strand). Cytogenetic location: 14q23.2.
Variant type: single nucleotide variant.
Coding change: c.18013C>A on transcript NM_182914.3 (MANE Select); coding-DNA position 18013, C replaced by A.
Protein change: p.His6005Asn; replaces histidine 6005 with asparagine.
Molecular consequence: missense variant.
Genome position (GRCh38, 1-based): chr14:64,190,212, C>A. VCF-style: chr14-64190212-C-A. GRCh37 (hg19) VCF-style: chr14-64656930-C-A.
Other names: c.18013C>A (NM_182914.2); c.18013C>A, p.His6005Asn (NM_015180.6); short protein forms H6005N.
Identifiers: ClinVar variation 1062583 (VCV001062583.13), dbSNP rs780648179, ClinGen allele CA261848266.
Genomic context (GRCh38, chr14:64,190,212, plus strand): 5'-AACAAATCAAGAGCAGCTGAGATCGATGACAAGCTCAACAAAATTAACGATCGTTGGCAA[C>A]ATCTTTTTGATGTCATCGGATCAAGGTAAGAAATGGGCTAAAAATGATTACTCTCCAGGA-3'
Protein context (NP_878918.2, residues 5995-6015): KLNKINDRWQ[His6005Asn]LFDVIGSRVK

ClinVar aggregate classification (germline): Uncertain significance. Review status: criteria provided, multiple submitters, no conflicts (2 of 4 stars). 3 submissions from 3 submitters: Uncertain significance (3). Last evaluated 2024-12-10.

Conditions:
Emery-Dreifuss muscular dystrophy 5, autosomal dominant (EDMD5). Also called: EMERY-DREIFUSS MUSCULAR DYSTROPHY 5. Identifiers: Orphanet 261, MedGen C2751805, MONDO:0013072, OMIM 612999.

Allele frequency attached by ClinVar (database versions not stated): gnomAD 0.00001; gnomAD exomes 0.00001; TOPMed 0.00002.
gnomAD v4.1: 28 of 1,613,922 alleles (0.0017%); highest among the groups gnomAD compares: Non-Finnish European, 0.0024%; no homozygotes.

Submissions (3):

Ambry Genetics
Classification: Uncertain significance. Last evaluated: 2024-12-10. Review status: criteria provided, single submitter. Criteria: Ambry Variant Classification Scheme 2023. Collection method: clinical testing. Allele origin: germline.

Labcorp Genetics (formerly Invitae), Labcorp
Classification: Uncertain significance for Emery-Dreifuss muscular dystrophy 5, autosomal dominant. Last evaluated: 2020-07-30. Review status: criteria provided, single submitter. Criteria: Invitae Variant Classification Sherloc (09022015). Collection method: clinical testing. Allele origin: germline.
Comment: This variant is not present in population databases (ExAC no frequency). In summary, the available evidence is currently insufficient to determine the role of this variant in disease. Therefore, it has been classified as a Variant of Uncertain Significance. Algorithms developed to predict the effect of missense changes on protein structure and function are either unavailable or do not agree on the potential impact of this missense change (SIFT: "Tolerated"; PolyPhen-2: "Probably Damaging"; Align-GVGD: "Class C0"). This variant has not been reported in the literature in individuals with SYNE2-related conditions. This sequence change replaces histidine with asparagine at codon 6005 of the SYNE2 protein (p.His6005Asn). The histidine residue is moderately conserved and there is a small physicochemical difference between histidine and asparagine.

Revvity Omics, Revvity
Classification: Uncertain significance for Emery-Dreifuss muscular dystrophy 5, autosomal dominant. Last evaluated: 2019-06-04. Review status: criteria provided, single submitter. Criteria: ACMG Guidelines, 2015. Collection method: clinical testing. Allele origin: germline.